The following is an entry in ClinVar:

ClinVar aggregate classification (germline): Likely pathogenic (1 of 4 stars; one submission).

Conditions:
Primary ciliary dyskinesia. Also called: Ciliary dyskinesia. Identifiers: Orphanet 244, MedGen C0008780, MONDO:0016575, HP:0012265.

Submission:

Natera, Inc.
Classification: Likely pathogenic for Primary ciliary dyskinesia. Last evaluated: 2024-04-23. Review status: criteria provided, single submitter. Criteria: Natera Variant Classification Schema (03/2026). Collection method: clinical testing. Allele origin: germline.
Comment: The c.467+1G>T variant in DNAI2 is a canonical splice donor site variant predicted to affect pre-mRNA splicing, which may result in an abnormal transcript and altered protein product. This variant is expected to result in nonsense mediated decay, truncation, or a dysfunctional protein product. This variant is rare in the general population with a frequency below the threshold expected for the associated phenotype(s). Given the available evidence, this variant is classified as Likely Pathogenic.

NM_023036.6(DNAI2):c.467+1G>T

Gene: DNAI2 (dynein axonemal intermediate chain 2; plus strand). Cytogenetic location: 17q25.1.
Variant type: single nucleotide variant.
Coding change: c.467+1G>T on transcript NM_023036.6 (MANE Select); the canonical splice donor site of the intron after coding-DNA position 467, G replaced by T.
Molecular consequence: splice donor variant.
Genome position (GRCh38, 1-based): chr17:74,287,099, G>T. VCF-style: chr17-74287099-G-T. GRCh37 (hg19) VCF-style: chr17-72283238-G-T.
Other names: c.467+1G>T (NM_001353167.2, NM_001172810.3).
Identifiers: ClinVar variation 4816117 (VCV004816117.1).
Genomic context (GRCh38, chr17:74,287,099, plus strand): 5'-CGAGGAGGCCATGGAAGTGATGGAGGAGGACCCTTCAGCTAAAACCATCAATGTGTTCAG[G>T]TAGCGCCATAGCCAGGCAGGTGTCTGGCCACCCTCCGTCACCCCCATGCATGGGCGCCTC-3'